The following is an entry in ClinVar:

ClinVar aggregate classification (germline): Uncertain significance. Review status: criteria provided, multiple submitters, no conflicts (2 of 4 stars). 2 submissions from 2 submitters: Uncertain significance (2). Last evaluated 2023-10-10.

Conditions:
KSR2-related disorder. Also called: KSR2-related condition.

Allele frequency attached by ClinVar (database versions not stated): TOPMed below 0.00001; ExAC 0.00001; gnomAD 0.00001; gnomAD exomes 0.00001.
gnomAD v4.1: 5 of 1,613,908 alleles (0.00031%); highest among the groups gnomAD compares: Non-Finnish European, 0.00042%; no homozygotes.

Submissions (2):

Ambry Genetics
Classification: Uncertain significance. Last evaluated: 2023-10-10. Review status: criteria provided, single submitter. Criteria: Ambry Variant Classification Scheme 2023. Collection method: clinical testing. Allele origin: germline.

PreventionGenetics, part of Exact Sciences
Classification: Uncertain significance for KSR2-related condition. Last evaluated: 2023-07-10. Review status: criteria provided, single submitter. Criteria: ACMG Guidelines, 2015. Collection method: clinical testing. Allele origin: germline.
Comment: The KSR2 c.1908G>C variant is predicted to result in the amino acid substitution p.Gln636His. To our knowledge, this variant has not been reported in the literature. This variant is reported in 0.0018% of alleles in individuals of European (Non-Finnish) descent in gnomAD. At this time, the clinical significance of this variant is uncertain due to the absence of conclusive functional and genetic evidence.

NM_173598.6(KSR2):c.1995G>C (p.Gln665His)

Gene: KSR2 (kinase suppressor of ras 2; minus strand). Cytogenetic location: 12q24.22.
Variant type: single nucleotide variant.
Coding change: c.1995G>C on transcript NM_173598.6 (MANE Select); coding-DNA position 1995, G replaced by C.
Protein change: p.Gln665His; replaces glutamine 665 with histidine.
Molecular consequence: missense variant.
Genome position (GRCh38, 1-based): chr12:117,525,076, C>G on the plus strand (G>C on the coding strand, the complement: KSR2 is on the minus strand). VCF-style: chr12-117525076-C-G. GRCh37 (hg19) VCF-style: chr12-117962881-C-G.
Other names: short protein forms Q665H.
Identifiers: ClinVar variation 2634383 (VCV002634383.2), dbSNP rs755288745, ClinGen allele CA6815838.
Genomic context (GRCh38, chr12:117,525,076, plus strand): 5'-CCAGCGGCCGTGGTACACTTGCCCAAAGCGGCCCTTTCCAATGAGCTCGCCGATCTCCAG[C>G]TGCTCAAAGGGGATGTCCCACTCCTGAAGGAAGATGCTGGTCTGGCTGGCCTTGCGTGGG-3'
Protein context (NP_775869.4, residues 655-675): FLQEWDIPFE[Gln665His]LEIGELIGKG